The following is an entry in ClinVar:

NM_006531.5(IFT88):c.1630C>T (p.Leu544Phe)

Gene: IFT88 (intraflagellar transport 88; plus strand). Cytogenetic location: 13q12.11.
Variant type: single nucleotide variant.
Coding change: c.1630C>T on transcript NM_006531.5 (MANE Select); coding-DNA position 1630, C replaced by T.
Protein change: p.Leu544Phe; replaces leucine 544 with phenylalanine.
Molecular consequence: missense variant. On other transcripts: non-coding transcript variant (4).
Genome position (GRCh38, 1-based): chr13:20,641,346, C>T. VCF-style: chr13-20641346-C-T. GRCh37 (hg19) VCF-style: chr13-21215485-C-T.
Other names: c.1573C>T, p.Leu525Phe (NM_001318491.2, NM_001353575.2); c.1657C>T, p.Leu553Phe (NM_001318493.2, NM_001353565.2, NM_001353566.2 and 2 more transcripts); c.1630C>T, p.Leu544Phe (NM_001353568.2, NM_001353572.2); c.1555C>T, p.Leu519Phe (NM_001353569.2, NM_001353570.2, NM_001353576.2 and 1 more transcripts); c.1528C>T, p.Leu510Phe (NM_001353571.2, NM_001353578.2); c.1486C>T, p.Leu496Phe (NM_001353573.2); c.1471C>T, p.Leu491Phe (NM_001353574.2); c.997C>T, p.Leu333Phe (NM_001353579.2); short protein forms L510F, L525F, L553F, L491F, L519F, L544F, L333F, L496F.
Identifiers: ClinVar variation 2722871 (VCV002722871.3), dbSNP rs1407975381, ClinGen allele CA387473999.

ClinVar aggregate classification (germline): Uncertain significance (1 of 4 stars; one submission).

Allele frequency attached by ClinVar (database versions not stated): TOPMed 0.00001; gnomAD 0.00001.
gnomAD v4.1: 11 of 1,612,632 alleles (0.00068%); highest among the groups gnomAD compares: Admixed American, 0.013%; no homozygotes.

Submission:

Labcorp Genetics (formerly Invitae), Labcorp
Classification: Uncertain significance. Last evaluated: 2025-07-31. Review status: criteria provided, single submitter. Criteria: Invitae Variant Classification Sherloc (09022015). Collection method: clinical testing. Allele origin: germline.
Comment: This sequence change replaces leucine, which is neutral and non-polar, with phenylalanine, which is neutral and non-polar, at codon 553 of the IFT88 protein (p.Leu553Phe). This variant is present in population databases (no rsID available, gnomAD 0.01%). This variant has not been reported in the literature in individuals affected with IFT88-related conditions. ClinVar contains an entry for this variant (Variation ID: 2722871). Experimental studies and prediction algorithms are not available or were not evaluated, and the functional significance of this variant is currently unknown. In summary, the available evidence is currently insufficient to determine the role of this variant in disease. Therefore, it has been classified as a Variant of Uncertain Significance.